The following is an entry in ClinVar:

ClinVar aggregate classification (germline): Uncertain significance (1 of 4 stars; one submission).

Submission:

Labcorp Genetics (formerly Invitae), Labcorp
Classification: Uncertain significance. Last evaluated: 2022-05-30. Review status: criteria provided, single submitter. Criteria: Invitae Variant Classification Sherloc (09022015). Collection method: clinical testing. Allele origin: germline.
Comment: Algorithms developed to predict the effect of missense changes on protein structure and function output the following: SIFT: "Tolerated"; PolyPhen-2: "Benign"; Align-GVGD: "Class C0". The asparagine amino acid residue is found in multiple mammalian species, which suggests that this missense change does not adversely affect protein function. This sequence change replaces serine, which is neutral and polar, with asparagine, which is neutral and polar, at codon 36 of the ICOSLG protein (p.Ser36Asn). This variant is not present in population databases (gnomAD no frequency). This variant has not been reported in the literature in individuals affected with ICOSLG-related conditions. In summary, the available evidence is currently insufficient to determine the role of this variant in disease. Therefore, it has been classified as a Variant of Uncertain Significance.

NM_015259.6(ICOSLG):c.107G>A (p.Ser36Asn)

Gene: ICOSLG (inducible T cell costimulator ligand; minus strand). Cytogenetic location: 21q22.3.
Variant type: single nucleotide variant.
Coding change: c.107G>A on transcript NM_015259.6 (MANE Select); coding-DNA position 107, G replaced by A.
Protein change: p.Ser36Asn; replaces serine 36 with asparagine.
Molecular consequence: missense variant. On other transcripts: intron variant (2).
Genome position (GRCh38, 1-based): chr21:44,237,166, C>T on the plus strand (G>A on the coding strand, the complement: ICOSLG is on the minus strand). VCF-style: chr21-44237166-C-T. GRCh37 (hg19) VCF-style: chr21-45657049-C-T.
Other names: c.107G>A, p.Ser36Asn (NM_001283050.2, NM_001395918.1); c.26G>A, p.Ser9Asn (NM_001365759.2); c.55+1282G>A (NM_001283051.2); c.-48-101G>A (NM_001283052.2); short protein forms S36N, S9N.
Identifiers: ClinVar variation 2001082 (VCV002001082.4), dbSNP rs2517848219, ClinGen allele CA410616707.